The following is an entry in ClinVar:

NM_018051.5(DYNC2I1):c.2651_2652dup (p.Ile885fs)

Gene: DYNC2I1 (dynein 2 intermediate chain 1; plus strand). Cytogenetic location: 7q36.3.
Variant type: Microsatellite.
Coding change: c.2651_2652dup on transcript NM_018051.5 (MANE Select); coding-DNA positions 2651 to 2652, 2 bases duplicated (TC; older notation c.2651_2652dupTC).
Protein change: p.Ile885fs; shifts the reading frame from isoleucine 885.
Molecular consequence: frameshift variant.
Genome position (GRCh38, 1-based): chr7:158,934,422-158,934,423, TC duplicated; duplicating any 2 consecutive bases within chr7:158,934,420-158,934,423 gives the same sequence; the c. name uses the placement nearest the transcript's 3' end. VCF-style (leftmost placement, unchanged base first): chr7-158934419-G-GTC. GRCh37 (hg19) VCF-style: chr7-158727110-G-GTC.
Other names: c.2513_2514dup, p.Ile839fs (NM_001350914.2); c.2078_2079dup, p.Ile694fs (NM_001350915.2); c.1190_1191dup, p.Ile398fs (NM_001350916.2); c.1403_1404dup, p.Ile469fs (NM_001350917.2, NM_001350918.2); short protein forms I469fs, I839fs, I694fs, I885fs, I398fs.
Identifiers: ClinVar variation 4719191 (VCV004719191.1).
Genomic context (GRCh38, chr7:158,934,419, plus strand): 5'-TGTATCCAATCTCGTGTGTAATGCACTCGTTCAGTCACTCTTGGGCTTCTTCTTCACAGG[G>GTC]TCTCATAAGCCATGGCACAAGACAAGATTTGAGAGTGGCTCCCAAACTATTCAAACCTCA-3'

ClinVar aggregate classification (germline): Pathogenic (1 of 4 stars; one submission).

Conditions:
Short-rib thoracic dysplasia 8 with or without polydactyly (SRTD8). Also called: SHORT-RIB THORACIC DYSPLASIA 8 WITH POLYDACTYLY. Identifiers: Orphanet 93271, MedGen C3809691, MONDO:0014214, OMIM 615503.

Submission:

Labcorp Genetics (formerly Invitae), Labcorp
Classification: Pathogenic for Short-rib thoracic dysplasia 8 with or without polydactyly. Last evaluated: 2025-05-07. Review status: criteria provided, single submitter. Criteria: Invitae Variant Classification Sherloc (09022015). Collection method: clinical testing. Allele origin: germline.
Comment: This sequence change creates a premature translational stop signal (p.Ile885Serfs*2) in the WDR60 gene. It is expected to result in an absent or disrupted protein product. Loss-of-function variants in WDR60 are known to be pathogenic (PMID: 9068549, 23910462). This variant is not present in population databases (gnomAD no frequency). This variant has not been reported in the literature in individuals affected with WDR60-related conditions. For these reasons, this variant has been classified as Pathogenic.

Literature cited by the submitters: PubMed 9068549; PubMed 23910462.